The following is an entry in ClinVar:

NM_022437.3(ABCG8):c.977G>A (p.Ser326Asn)

Gene: ABCG8 (ATP binding cassette subfamily G member 8; plus strand). Cytogenetic location: 2p21.
Variant type: single nucleotide variant.
Coding change: c.977G>A on transcript NM_022437.3 (MANE Select); coding-DNA position 977, G replaced by A.
Protein change: p.Ser326Asn; replaces serine 326 with asparagine.
Molecular consequence: missense variant.
Genome position (GRCh38, 1-based): chr2:43,871,988, G>A. VCF-style: chr2-43871988-G-A. GRCh37 (hg19) VCF-style: chr2-44099127-G-A.
Other names: c.977G>A (NM_022437.2); c.977G>A, p.Ser326Asn (NM_001357321.2); short protein forms S326N.
Identifiers: ClinVar variation 1016519 (VCV001016519.7), dbSNP rs202030766, ClinGen allele CA1637241.

ClinVar aggregate classification (germline): Uncertain significance. Review status: criteria provided, multiple submitters, no conflicts (2 of 4 stars). 3 submissions from 3 submitters: Uncertain significance (3). Last evaluated 2025-12-08.

Conditions:
ABCG8-related disorder. Also called: ABCG8-related condition.
Sitosterolemia 1. Identifiers: MedGen C2749759, MONDO:0020747, OMIM 210250.

Allele frequency attached by ClinVar (database versions not stated): gnomAD 0.00001; TOPMed 0.00006; 1000 Genomes Project 0.00040; 1000 Genomes Project 30x 0.00062.
gnomAD v4.1: 22 of 1,614,070 alleles (0.0014%); highest among the groups gnomAD compares: East Asian, 0.04%; no homozygotes.

Submissions (3):

Labcorp Genetics (formerly Invitae), Labcorp
Classification: Uncertain significance. Last evaluated: 2025-12-08. Review status: criteria provided, single submitter. Criteria: Invitae Variant Classification Sherloc (09022015). Collection method: clinical testing. Allele origin: germline.
Comment: This sequence change replaces serine, which is neutral and polar, with asparagine, which is neutral and polar, at codon 326 of the ABCG8 protein (p.Ser326Asn). This variant is present in population databases (rs202030766, gnomAD 0.08%). This missense change has been observed in individual(s) with hypercholesterolemia (PMID: 29353225). ClinVar contains an entry for this variant (Variation ID: 1016519). Invitae Evidence Modeling of protein sequence and biophysical properties (such as structural, functional, and spatial information, amino acid conservation, physicochemical variation, residue mobility, and thermodynamic stability) indicates that this missense variant is not expected to disrupt ABCG8 protein function with a negative predictive value of 80%. In summary, the available evidence is currently insufficient to determine the role of this variant in disease. Therefore, it has been classified as a Variant of Uncertain Significance.

PreventionGenetics, part of Exact Sciences
Classification: Uncertain significance for ABCG8-related condition. Last evaluated: 2025-10-18. Review status: criteria provided, single submitter. Criteria: ACMG Guidelines, 2015. Collection method: clinical testing. Allele origin: germline.
Comment: The ABCG8 c.977G>A variant is predicted to result in the amino acid substitution p.Ser326Asn. This variant has been reported in an individual with familial hypercholesterolemia and interpreted as a variant of uncertain significance (Pek et al. 2018. PubMed ID: 29353225, Table 3). This variant is reported in 0.085% of alleles in individuals of East Asian descent in gnomAD. At this time, the clinical significance of this variant is uncertain due to the absence of conclusive functional and genetic evidence.

Revvity Omics, Revvity
Classification: Uncertain significance for Sitosterolemia 1. Last evaluated: 2024-05-07. Review status: criteria provided, single submitter. Criteria: ACMG Guidelines, 2015. Collection method: clinical testing. Allele origin: germline.

Literature cited by the submitters: PubMed 29353225 (cited by Labcorp Genetics (formerly Invitae), Labcorp).